The following is an entry in ClinVar:

NM_006015.6(ARID1A):c.114GGC[6] (p.Ala45dup)

Gene: ARID1A (AT-rich interaction domain 1A; plus strand). Cytogenetic location: 1p36.11.
Variant type: Microsatellite.
Coding change: c.114GGC[6] on transcript NM_006015.6 (MANE Select); six copies in a row of the 3-base unit GGC starting at c.114; the reference has five copies in a row; one copy, 3 bases duplicated.
Protein change: p.Ala45dup; duplicates alanine 45.
Molecular consequence: inframe insertion.
Genome position (GRCh38, 1-based): chr1:26,696,529-26,696,531, GGC duplicated; duplicating any 3 consecutive bases within chr1:26,696,517-26,696,531 gives the same sequence; the position shown is the placement nearest the transcript's 3' end. VCF-style (leftmost placement, unchanged base first): chr1-26696516-A-AGGC. GRCh37 (hg19) VCF-style: chr1-27023007-A-AGGC.
Other names: c.114GGC[6], p.Ala45dup (NM_139135.4).
Identifiers: ClinVar variation 126309 (VCV000126309.21), dbSNP rs587779737, ClinGen allele CA151020.
Genomic context (GRCh38, chr1:26,696,516, plus strand): 5'-CGCCGCCGCCCTCGGAGCTGAAGAAAGCCGAGCAGCAGCAGCGGGAGGAGGCGGGGGGCG[A>AGGC]GGCGGCGGCGGCGGCAGCGGCCGAGCGCGGGGAAATGAAGGCAGCCGCCGGGCAGGAAAG-3'

ClinVar aggregate classification (germline): Benign/Likely benign. Review status: criteria provided, multiple submitters, no conflicts (2 of 4 stars). 5 submissions from 5 submitters: Benign (3); Likely benign (2). Last evaluated 2026-07-01.

Conditions:
Intellectual disability, autosomal dominant 14 (CSS2). Also called: COFFIN-SIRIS SYNDROME 2. Identifiers: Orphanet 1465, MedGen C3553247, MONDO:0013819, OMIM 614607.

Submissions (5):

CeGaT Center for Human Genetics Tuebingen
Classification: Benign. Last evaluated: 2026-07-01. Review status: criteria provided, single submitter. Criteria: CeGaT Center For Human Genetics Tuebingen Variant Classification Criteria Version 2. Collection method: clinical testing. Allele origin: germline. Affected: yes. Observed: 4 variant alleles.
Comment: ARID1A: BS1, BS2

Labcorp Genetics (formerly Invitae), Labcorp
Classification: Benign. Last evaluated: 2026-02-02. Review status: criteria provided, single submitter. Criteria: Invitae Variant Classification Sherloc (09022015). Collection method: clinical testing. Allele origin: germline.

Genome-Nilou Lab
Classification: Benign for Intellectual disability, autosomal dominant 14. Last evaluated: 2021-12-05. Review status: criteria provided, single submitter. Criteria: ACMG Guidelines, 2015. Collection method: clinical testing. Allele origin: germline. Affected: no.

GeneDx
Classification: Likely benign. Last evaluated: 2020-09-08. Review status: criteria provided, single submitter. Criteria: GeneDx Variant Classification Process June 2021. Collection method: clinical testing. Allele origin: germline. Affected: yes.

Genetic Services Laboratory, University of Chicago
Classification: Likely benign. Last evaluated: 2016-03-02. Review status: criteria provided, single submitter. Criteria: ACMG Guidelines, 2015. Collection method: clinical testing. Allele origin: germline. Affected: no.